The following is an entry in ClinVar:

NM_001122955.4(BSCL2):c.974del (p.Gly325fs)

Genes: BSCL2 (BSCL2 lipid droplet biogenesis associated, seipin; minus strand), HNRNPUL2-BSCL2 (HNRNPUL2-BSCL2 readthrough (NMD candidate); minus strand). Cytogenetic location: 11q12.3.
Variant type: Deletion.
Coding change: c.974del on transcript NM_001122955.4 (MANE Select); coding-DNA position 974, one base deleted (G; older notation c.974delG).
Protein change: p.Gly325fs; shifts the reading frame from glycine 325.
Molecular consequence: frameshift variant. On other transcripts: non-coding transcript variant (1), intron variant (1).
Genome position (GRCh38, 1-based): chr11:62,691,311, C deleted on the plus strand (G on the coding strand, the reverse complement: BSCL2 is on the minus strand); the first of 7 consecutive C bases (chr11:62,691,311-62,691,317); deleting any one gives the same sequence. VCF-style (leftmost placement, unchanged base first): chr11-62691310-GC-G. GRCh37 (hg19) VCF-style: chr11-62458782-GC-G.
Other names: c.974delG (NM_001122955.3); c.974del, p.Gly325fs (NM_001386027.1, NM_001386028.1); c.782del, p.Gly261fs (NM_032667.6); c.672-170del (NM_001130702.2); short protein forms G261fs, G325fs.
Identifiers: ClinVar variation 930514 (VCV000930514.3), dbSNP rs749890533, ClinGen allele CA599797855.

ClinVar aggregate classification (germline): Likely pathogenic (1 of 4 stars; one submission).

Conditions:
Severe neurodegenerative syndrome with lipodystrophy. Also called: Encephalopathy, progressive, with or without lipodystrophy; ENCEPHALOPATHY, PROGRESSIVE, WITH LIPODYSTROPHY. Identifiers: Orphanet 363400, MedGen C4014700, MONDO:0014402, OMIM 615924.

Submission:

Centre for Mendelian Genomics, University Medical Centre Ljubljana
Classification: Likely pathogenic for Severe neurodegenerative syndrome with lipodystrophy. Last evaluated: 2019-07-26. Review status: criteria provided, single submitter. Criteria: ACMG Guidelines, 2015. Collection method: clinical testing. Allele origin: unknown. Affected: yes.
Comment: This variant was classified as: Likely pathogenic. The following ACMG criteria were applied in classifying this variant: PVS1,PM2.